The following is an entry in ClinVar:

NM_007294.4(BRCA1):c.2476del (p.Thr826fs)

Gene: BRCA1 (BRCA1 DNA repair associated; minus strand). Cytogenetic location: 17q21.31.
Variant type: Deletion.
Coding change: c.2476del on transcript NM_007294.4 (MANE Select); coding-DNA position 2476, one base deleted (A; older notation c.2476delA).
Protein change: p.Thr826fs; shifts the reading frame from threonine 826.
Molecular consequence: frameshift variant. On other transcripts: intron variant (137).
Genome position (GRCh38, 1-based): chr17:43,093,055, T deleted on the plus strand (A on the coding strand, the reverse complement: BRCA1 is on the minus strand). VCF-style (leftmost placement, unchanged base first): chr17-43093054-GT-G. GRCh37 (hg19) VCF-style: chr17-41245071-GT-G.
Other names: 2595delA; c.2398del, p.Thr800fs (NM_001407663.1, NM_001407653.1, NM_001407654.1 and 4 more transcripts); c.2353del, p.Thr785fs (NM_001407664.1, NM_001407665.1, NM_001407666.1 and 19 more transcripts); c.2350del, p.Thr784fs (NM_001407670.1, NM_001407671.1, NM_001407672.1 and 11 more transcripts); c.2476del, p.Thr826fs (NM_001407684.1, NM_001407854.1, NM_001407858.1 and 30 more transcripts); c.2335del, p.Thr779fs (NM_001407692.1, NM_001407694.1, NM_001407695.1 and 29 more transcripts); c.2332del, p.Thr778fs (NM_001407740.1, NM_001407741.1, NM_001407742.1 and 20 more transcripts); c.2263del, p.Thr755fs (NM_001407853.1, NM_001407894.1, NM_001407895.1 and 9 more transcripts); and 42 more; short protein forms T779fs, T826fs, T737fs, T759fs, T784fs, T785fs, T823fs, T530fs.
Identifiers: ClinVar variation 54577 (VCV000054577.5), dbSNP rs80357631, ClinGen allele CA001647.
Genomic context (GRCh38, chr17:43,093,054, plus strand): 5'-TCTATGCTTGTTTCCCGACTGTGGTTAACTTCATGTCCCAATGGATACTTAAAGCCTTCT[GT>G]GTCATTTCTATTATCTTTGGAACAACCATGAATTAGTCCCTTGGGGTTTTCAAATGCTGC-3'

ClinVar aggregate classification (germline): Pathogenic. Review status: reviewed by expert panel (3 of 4 stars). 4 submissions from 4 submitters: Pathogenic (1). 3 of the submissions do not count toward it. Last evaluated 2016-09-08.

Conditions:
Hereditary breast ovarian cancer syndrome. Also called: Hereditary breast and ovarian cancer syndrome (HBOC); Hereditary breast and ovarian cancer syndrome; Hereditary breast and ovarian cancer; Hereditary breast and/or ovarian cancer syndrome; Breast and ovarian cancer; BRCA1- and BRCA2-Associated Hereditary Breast and Ovarian Cancer. Identifiers: Orphanet 145, MedGen C0677776, MeSH D061325, MONDO:0003582. Disease mechanism: loss of function.
Breast-ovarian cancer, familial, susceptibility to, 1 (BROVCA1). Also called: OVARIAN CANCER, SUSCEPTIBILITY TO; BRCA1 Hereditary Breast and Ovarian Cancer. Identifiers: Orphanet 145, MedGen C2676676, MONDO:0011450, OMIM 604370. Disease mechanism: loss of function.

Submissions (4):

Evidence-based Network for the Interpretation of Germline Mutant Alleles (ENIGMA)
Classification: Pathogenic for Breast-ovarian cancer, familial, susceptibility to, 1. Last evaluated: 2016-09-08. Review status: reviewed by expert panel. Criteria: ENIGMA BRCA1/2 Classification Criteria (2015). Collection method: curation. Allele origin: germline.
Comment: Variant allele predicted to encode a truncated non-functional protein.

Consortium of Investigators of Modifiers of BRCA1/2 (CIMBA), c/o University of Cambridge
Classification: Pathogenic for Breast-ovarian cancer, familial, susceptibility to, 1. Last evaluated: 2015-10-02. Review status: criteria provided, single submitter. Criteria: CIMBA Mutation Classification guidelines May 2016. Collection method: clinical testing. Allele origin: germline. Not counted in ClinVar's aggregate classification.

Research Molecular Genetics Laboratory, Women's College Hospital, University of Toronto
Classification: Pathogenic for Hereditary breast ovarian cancer syndrome. Last evaluated: 2014-01-31. Review status: no assertion criteria provided. Collection method: research. Allele origin: germline. Affected: yes. Study: The Canadian Open Genetics Repository (COGR). Not counted in ClinVar's aggregate classification.

Breast Cancer Information Core (BIC) (BRCA1)
Classification: Pathogenic for Breast-ovarian cancer, familial 1. Last evaluated: 2002-05-29. Review status: no assertion criteria provided. Collection method: clinical testing. Allele origin: germline. Affected: yes. Observed: 8 variant alleles. Not counted in ClinVar's aggregate classification.